The following is an entry in ClinVar:

NM_001378454.1(ALMS1):c.11645T>C (p.Met3882Thr)

Gene: ALMS1 (ALMS1 centrosome and basal body associated protein; plus strand). Cytogenetic location: 2p13.1.
Variant type: single nucleotide variant.
Coding change: c.11645T>C on transcript NM_001378454.1 (MANE Select); coding-DNA position 11645, T replaced by C.
Protein change: p.Met3882Thr; replaces methionine 3882 with threonine.
Molecular consequence: missense variant.
Genome position (GRCh38, 1-based): chr2:73,599,498, T>C. VCF-style: chr2-73599498-T-C. GRCh37 (hg19) VCF-style: chr2-73826625-T-C.
Other names: c.11648T>C, p.Met3883Thr (NM_015120.4); short protein forms M3883T, M3882T.
Identifiers: ClinVar variation 2179504 (VCV002179504.1), dbSNP rs752003229, ClinGen allele CA1715265.

ClinVar aggregate classification (germline): Uncertain significance (1 of 4 stars; one submission).

Conditions:
Alstrom syndrome (ALMS). Identifiers: Orphanet 64, MedGen C0268425, MONDO:0008763, OMIM 203800.

Allele frequency attached by ClinVar (database versions not stated): gnomAD exomes below 0.00001; TOPMed below 0.00001; ExAC 0.00002.
gnomAD v4.1: 2 of 1,613,690 alleles (0.00012%); highest among the groups gnomAD compares: Admixed American, 0.0033%; no homozygotes.

Submission:

Labcorp Genetics (formerly Invitae), Labcorp
Classification: Uncertain significance for Alstrom syndrome. Last evaluated: 2022-08-09. Review status: criteria provided, single submitter. Criteria: Invitae Variant Classification Sherloc (09022015). Collection method: clinical testing. Allele origin: germline.
Comment: This sequence change replaces methionine, which is neutral and non-polar, with threonine, which is neutral and polar, at codon 3883 of the ALMS1 protein (p.Met3883Thr). This variant is present in population databases (rs752003229, gnomAD 0.006%). This variant has not been reported in the literature in individuals affected with ALMS1-related conditions. Experimental studies and prediction algorithms are not available or were not evaluated, and the functional significance of this variant is currently unknown. In summary, the available evidence is currently insufficient to determine the role of this variant in disease. Therefore, it has been classified as a Variant of Uncertain Significance.